The following is an entry in ClinVar:

ClinVar aggregate classification (germline): Likely benign. Review status: criteria provided, multiple submitters, no conflicts (2 of 4 stars). 5 submissions from 5 submitters: Likely benign (5). Last evaluated 2026-04-01.

Conditions:
Autosomal recessive limb-girdle muscular dystrophy type 2J (LGMDR10). Also called: Limb-girdle muscular dystrophy, type 2J; MUSCULAR DYSTROPHY, LIMB-GIRDLE, AUTOSOMAL RECESSIVE 10. Identifiers: Orphanet 140922, MedGen C1837342, MONDO:0012127, OMIM 608807.
Dilated cardiomyopathy 1G (CMD1G). Identifiers: Orphanet 154, MedGen C1858763, MONDO:0011400, OMIM 604145.
Cardiovascular phenotype. Identifiers: MedGen CN230736.
Hypertrophic cardiomyopathy 9. Also called: Familial hypertrophic cardiomyopathy 9. Identifiers: MedGen C1861065, MONDO:0013412, OMIM 613765.
Myopathy, myofibrillar, 9, with early respiratory failure (MFM9). Also called: MYOPATHY, PROXIMAL, WITH EARLY RESPIRATORY MUSCLE INVOLVEMENT; Hereditary myopathy with early respiratory failure; Myopathy, distal, with early respiratory failure, autosomal dominant; EDSTROM MYOPATHY. Identifiers: Orphanet 178464, Orphanet 34521, MedGen C1863599, MONDO:0011362, OMIM 603689.
Early-onset myopathy with fatal cardiomyopathy (CMYO5). Also called: CONGENITAL MYOPATHY 5 WITH CARDIOMYOPATHY; Salih Myopathy. Identifiers: Orphanet 289377, MedGen C2673677, MONDO:0012714, OMIM 611705. Disease mechanism: loss of function.
Tibial muscular dystrophy (TMD). Also called: UDD MYOPATHY; Tibial muscular dystrophy, tardive; Udd Distal Myopathy – Tibial Muscular Dystrophy. Identifiers: Orphanet 609, MedGen C1838244, MONDO:0010870, OMIM 600334.

Allele frequency attached by ClinVar (database versions not stated): gnomAD 0.00001; ExAC 0.00002; gnomAD exomes 0.00002 and 0.00003; TOPMed 0.00002.
gnomAD v4.1: 43 of 1,610,464 alleles (0.0027%); highest among the groups gnomAD compares: Admixed American, 0.005%; no homozygotes.

Submissions (5):

CeGaT Center for Human Genetics Tuebingen
Classification: Likely benign. Last evaluated: 2026-04-01. Review status: criteria provided, single submitter. Criteria: CeGaT Center For Human Genetics Tuebingen Variant Classification Criteria Version 2. Collection method: clinical testing. Allele origin: germline. Affected: yes. Observed: 1 variant allele.
Comment: TTN: BP4, BP7

Labcorp Genetics (formerly Invitae), Labcorp
Classification: Likely benign for Dilated cardiomyopathy 1G; Autosomal recessive limb-girdle muscular dystrophy type 2J. Last evaluated: 2026-01-27. Review status: criteria provided, single submitter. Criteria: Invitae Variant Classification Sherloc (09022015). Collection method: clinical testing. Allele origin: germline.

Fulgent Genetics
Classification: Likely benign for Tibial muscular dystrophy; Myopathy, myofibrillar, 9, with early respiratory failure; Dilated cardiomyopathy 1G; Autosomal recessive limb-girdle muscular dystrophy type 2J; Early-onset myopathy with fatal cardiomyopathy; Hypertrophic cardiomyopathy 9. Last evaluated: 2021-08-17. Review status: criteria provided, single submitter. Criteria: ACMG Guidelines, 2015. Collection method: clinical testing. Allele origin: unknown.

GeneDx
Classification: Likely benign. Last evaluated: 2020-09-01. Review status: criteria provided, single submitter. Criteria: GeneDx Variant Classification Process June 2021. Collection method: clinical testing. Allele origin: germline. Affected: yes.

Ambry Genetics
Classification: Likely benign for Cardiovascular phenotype. Last evaluated: 2018-11-06. Review status: criteria provided, single submitter. Criteria: Ambry Variant Classification Scheme 2023. Collection method: clinical testing. Allele origin: germline.

NM_001267550.2(TTN):c.83766T>C (p.Thr27922=)

Genes: TTN (titin; minus strand), TTN-AS1 (TTN antisense RNA 1; plus strand). Cytogenetic location: 2q31.2.
Variant type: single nucleotide variant.
Coding change: c.83766T>C on transcript NM_001267550.2 (MANE Select); coding-DNA position 83766, T replaced by C.
Protein change: p.Thr27922=; no amino-acid change (threonine 27922 retained).
Molecular consequence: synonymous variant.
Genome position (GRCh38, 1-based): chr2:178,562,366, A>G on the plus strand (T>C on the coding strand, the complement: TTN is on the minus strand). VCF-style: chr2-178562366-A-G. GRCh37 (hg19) VCF-style: chr2-179427093-A-G.
Other names: c.78843T>C, p.Thr26281= (NM_001256850.1); c.56571T>C, p.Thr18857= (NM_003319.4); c.76062T>C, p.Thr25354= (NM_133378.4); c.56946T>C, p.Thr18982= (NM_133432.3); c.57147T>C, p.Thr19049= (NM_133437.4).
Identifiers: ClinVar variation 1220449 (VCV001220449.16), dbSNP rs757873540, ClinGen allele CA1988875.